The following is an entry in ClinVar:

NM_001195.5(BFSP1):c.161_175dup (p.Ala58_Arg59insHisValGlnArgAla)

Gene: BFSP1 (beaded filament structural protein 1; minus strand). Cytogenetic location: 20p12.1.
Variant type: Duplication.
Coding change: c.161_175dup on transcript NM_001195.5 (MANE Select); coding-DNA positions 161 to 175, 15 bases duplicated (ACGTCCAGCGGGCCC).
Protein change: p.Ala58_Arg59insHisValGlnArgAla.
Molecular consequence: intron variant (on NM_001278608.2).
Genome position (GRCh38, 1-based): chr20:17,531,155-17,531,169, GGGCCCGCTGGACGT duplicated on the plus strand (ACGTCCAGCGGGCCC on the coding strand, the reverse complement: BFSP1 is on the minus strand); duplicating any 15 consecutive bases within chr20:17,531,155-17,531,173 gives the same sequence; the c. name uses the placement nearest the transcript's 3' end. VCF-style (leftmost placement, unchanged base first): chr20-17531154-C-CGGGCCCGCTGGACGT. GRCh37 (hg19) VCF-style: chr20-17511799-C-CGGGCCCGCTGGACGT.
Other names: c.161_175dup, p.Ala58_Arg59insHisValGlnArgAla (NM_001424338.1); c.-40-6261_-40-6247dup (NM_001278608.2, NM_001278606.2); c.45-6261_45-6247dup (NM_001278607.2); c.3-6261_3-6247dup (NM_001161705.2).
Identifiers: ClinVar variation 4765686 (VCV004765686.1).

ClinVar aggregate classification (germline): Uncertain significance (1 of 4 stars; one submission).

Conditions:
Cataract 33. Also called: CATARACT 33, CORTICAL. Identifiers: Orphanet 91492, MedGen C3808107, MONDO:0012665, OMIM 611391.

Submission:

Labcorp Genetics (formerly Invitae), Labcorp
Classification: Uncertain significance for Cataract 33. Last evaluated: 2025-04-23. Review status: criteria provided, single submitter. Criteria: Invitae Variant Classification Sherloc (09022015). Collection method: clinical testing. Allele origin: germline.
Comment: This variant, c.161_175dup, results in the insertion of 5 amino acid(s) of the BFSP1 protein (p.His54_Ala58dup), but otherwise preserves the integrity of the reading frame. This variant is not present in population databases (gnomAD no frequency). This variant has not been reported in the literature in individuals affected with BFSP1-related conditions. In summary, the available evidence is currently insufficient to determine the role of this variant in disease. Therefore, it has been classified as a Variant of Uncertain Significance.